The following is an entry in ClinVar:

NM_002340.6(LSS):c.596T>G (p.Val199Gly)

Gene: LSS (lanosterol synthase; minus strand). Cytogenetic location: 21q22.3.
Variant type: single nucleotide variant.
Coding change: c.596T>G on transcript NM_002340.6 (MANE Select); coding-DNA position 596, T replaced by G.
Protein change: p.Val199Gly; replaces valine 199 with glycine.
Molecular consequence: missense variant.
Genome position (GRCh38, 1-based): chr21:46,219,527, A>C on the plus strand (T>G on the coding strand, the complement: LSS is on the minus strand). VCF-style: chr21-46219527-A-C. GRCh37 (hg19) VCF-style: chr21-47639441-A-C.
Other names: c.596T>G (NM_002340.5); c.596T>G, p.Val199Gly (NM_001001438.3); c.563T>G, p.Val188Gly (NM_001145436.2); c.356T>G, p.Val119Gly (NM_001145437.2); short protein forms V119G, V188G, V199G.
Identifiers: ClinVar variation 1703938 (VCV001703938.4), dbSNP rs755972851, ClinGen allele CA10075416.

ClinVar aggregate classification (germline): Uncertain significance. Review status: criteria provided, multiple submitters, no conflicts (2 of 4 stars). 2 submissions from 2 submitters: Uncertain significance (2). Last evaluated 2025-07-02.

Conditions:
Inborn genetic diseases. Identifiers: MedGen C0950123, MeSH D030342.

Allele frequency attached by ClinVar (database versions not stated): gnomAD 0.00003; TOPMed 0.00004.
gnomAD v4.1: 37 of 1,603,750 alleles (0.0023%); highest among the groups gnomAD compares: Admixed American, 0.0051%; no homozygotes.

Submissions (2):

Ambry Genetics
Classification: Uncertain significance for Inborn genetic diseases. Last evaluated: 2025-07-02. Review status: criteria provided, single submitter. Criteria: Ambry Variant Classification Scheme 2023. Collection method: clinical testing. Allele origin: germline.

GeneDx
Classification: Uncertain significance. Last evaluated: 2022-02-21. Review status: criteria provided, single submitter. Criteria: GeneDx Variant Classification Process June 2021. Collection method: clinical testing. Allele origin: germline. Affected: yes.
Comment: In silico analysis supports that this missense variant has a deleterious effect on protein structure/function; Has not been previously published as pathogenic or benign to our knowledge